The following is an entry in ClinVar:

ClinVar aggregate classification (germline): Uncertain significance (1 of 4 stars; one submission).

Conditions:
FGFR2-related craniosynostosis. Identifiers: MedGen CN231480.

Allele frequency attached by ClinVar (database versions not stated): gnomAD exomes below 0.00001.
gnomAD v4.1: 1 of 1,614,080 alleles (0.000062%); no homozygotes.

Submission:

Labcorp Genetics (formerly Invitae), Labcorp
Classification: Uncertain significance for FGFR2-related craniosynostosis. Last evaluated: 2023-09-19. Review status: criteria provided, single submitter. Criteria: Invitae Variant Classification Sherloc (09022015). Collection method: clinical testing. Allele origin: germline.
Comment: Advanced modeling of protein sequence and biophysical properties (such as structural, functional, and spatial information, amino acid conservation, physicochemical variation, residue mobility, and thermodynamic stability) performed at Invitae indicates that this missense variant is expected to disrupt FGFR2 protein function. This sequence change replaces isoleucine, which is neutral and non-polar, with threonine, which is neutral and polar, at codon 654 of the FGFR2 protein (p.Ile654Thr). This variant is present in population databases (no rsID available, gnomAD 0.01%). This variant has not been reported in the literature in individuals affected with FGFR2-related conditions. In summary, the available evidence is currently insufficient to determine the role of this variant in disease. Therefore, it has been classified as a Variant of Uncertain Significance.

NM_000141.5(FGFR2):c.1961T>C (p.Ile654Thr)

Gene: FGFR2 (fibroblast growth factor receptor 2; minus strand). Cytogenetic location: 10q26.13.
Variant type: single nucleotide variant.
Coding change: c.1961T>C on transcript NM_000141.5 (MANE Select); coding-DNA position 1961, T replaced by C.
Protein change: p.Ile654Thr; replaces isoleucine 654 with threonine.
Molecular consequence: missense variant. On other transcripts: non-coding transcript variant (1).
Genome position (GRCh38, 1-based): chr10:121,488,016, A>G on the plus strand (T>C on the coding strand, the complement: FGFR2 is on the minus strand). VCF-style: chr10-121488016-A-G. GRCh37 (hg19) VCF-style: chr10-123247530-A-G.
Other names: c.1964T>C, p.Ile655Thr (NM_001144913.1, NM_022970.4); c.1625T>C, p.Ile542Thr (NM_001144914.1); c.1694T>C, p.Ile565Thr (NM_001144915.2, NM_023029.3); c.1616T>C, p.Ile539Thr (NM_001144916.2); c.1613T>C, p.Ile538Thr (NM_001144917.2); c.1610T>C, p.Ile537Thr (NM_001144918.2); c.1697T>C, p.Ile566Thr (NM_001144919.2); c.1277T>C, p.Ile426Thr (NM_001320654.2); and 1 more; short protein forms I537T, I538T, I426T, I542T, I652T, I654T, I566T, I539T.
Identifiers: ClinVar variation 2901886 (VCV002901886.3), dbSNP rs1404851539, ClinGen allele CA378314348.